The following is an entry in ClinVar:

ClinVar aggregate classification (germline): Likely benign (0 of 4 stars; one submission).

Conditions:
COL11A1-related disorder. Also called: COL11A1-related disorders; COL11A1-related condition.

gnomAD v4.1: 3 of 1,604,348 alleles (0.00019%); highest among the groups gnomAD compares: Admixed American, 0.005%; no homozygotes.

Submission:

PreventionGenetics, part of Exact Sciences
Classification: Likely benign for COL11A1-related condition. Last evaluated: 2024-04-19. Review status: no assertion criteria provided. Collection method: clinical testing. Allele origin: germline.
Comment: This variant is classified as likely benign based on ACMG/AMP sequence variant interpretation guidelines (Richards et al. 2015 PMID: 25741868, with internal and published modifications).

NM_001854.4(COL11A1):c.991-26C>G

Gene: COL11A1 (collagen type XI alpha 1 chain; minus strand). Cytogenetic location: 1p21.1.
Variant type: single nucleotide variant.
Coding change: c.991-26C>G on transcript NM_001854.4 (MANE Select); 26 bases into the intron before coding-DNA position 991, C replaced by G.
Molecular consequence: intron variant.
Genome position (GRCh38, 1-based): chr1:103,023,022, G>C on the plus strand (C>G on the coding strand, the complement: COL11A1 is on the minus strand). VCF-style: chr1-103023022-G-C. GRCh37 (hg19) VCF-style: chr1-103488578-G-C.
Other names: c.874-26C>G (NM_001190709.2); c.1027-26C>G (NM_080629.3); c.898-1253C>G (NM_080630.4).
Identifiers: ClinVar variation 3345990 (VCV003345990.1).
Genomic context (GRCh38, chr1:103,023,022, plus strand): 5'-TATTCTTCAGTAAATATTTCTTCAACTGGATTTGGCTATTAATTTAAATTGCAAGGAATT[G>C]AGGAACATGAAGTTTATTGTTAGTAAAGCAAGGTAAGCATTTAAATTACAATTTGATAGC-3'